The following is an entry in ClinVar:

ClinVar aggregate classification (germline): Uncertain significance (1 of 4 stars; one submission).

Submission:

Labcorp Genetics (formerly Invitae), Labcorp
Classification: Uncertain significance. Last evaluated: 2025-06-04. Review status: criteria provided, single submitter. Criteria: Invitae Variant Classification Sherloc (09022015). Collection method: clinical testing. Allele origin: germline.
Comment: This variant, c.1036_1038del, results in the deletion of 1 amino acid(s) of the LRP5 protein (p.Leu346del), but otherwise preserves the integrity of the reading frame. This variant is not present in population databases (gnomAD no frequency). This variant has not been reported in the literature in individuals affected with LRP5-related conditions. Experimental studies and prediction algorithms are not available or were not evaluated, and the functional significance of this variant is currently unknown. In summary, the available evidence is currently insufficient to determine the role of this variant in disease. Therefore, it has been classified as a Variant of Uncertain Significance.

NM_002335.4(LRP5):c.1030CTG[2] (p.Leu346del)

Gene: LRP5 (LDL receptor related protein 5; plus strand). Cytogenetic location: 11q13.2.
Variant type: Microsatellite.
Coding change: c.1030CTG[2] on transcript NM_002335.4 (MANE Select); two copies in a row of the 3-base unit CTG starting at c.1030; the reference has three copies in a row; one copy, 3 bases deleted.
Protein change: p.Leu346del; deletes leucine 346.
Molecular consequence: 5 prime UTR variant (on NM_001291902.2).
Genome position (GRCh38, 1-based): chr11:68,386,336-68,386,338, CTG deleted; deleting any 3 consecutive bases within chr11:68,386,328-68,386,338 gives the same sequence; the position shown is the placement nearest the transcript's 3' end. VCF-style (leftmost placement, unchanged base first): chr11-68386327-GTGC-G. GRCh37 (hg19) VCF-style: chr11-68153795-GTGC-G.
Other names: c.-736CTG[2] (NM_001291902.2); short protein forms L346del.
Identifiers: ClinVar variation 3656337 (VCV003656337.2).
Genomic context (GRCh38, chr11:68,386,327, plus strand): 5'-GCCTGCTGCAGGCCCTTGACCCCTGACCCCATTGCACCTGTCTCCACAGGAGCCGAGGAG[GTGC>G]TGCTGCTGGCCCGGCGGACGGACCTACGGAGGATCTCGCTGGACACGCCGGACTTCACCG-3'